The following is an entry in ClinVar:

ClinVar aggregate classification (germline): Likely benign. Review status: criteria provided, multiple submitters, no conflicts (2 of 4 stars). 5 submissions from 5 submitters: Likely benign (5). Last evaluated 2024-11-28.

Conditions:
Spinocerebellar ataxia type 10 (SCA10). Identifiers: Orphanet 98761, MedGen C1963674, MONDO:0011330, OMIM 603516.

Allele frequency attached by ClinVar (database versions not stated): 1000 Genomes Project 30x 0.00078; 1000 Genomes Project 0.00100; gnomAD 0.00223 and 0.00226; TOPMed 0.00224; ExAC 0.00233; gnomAD exomes 0.00240 and 0.00353; ESP Exome Variant Server 0.00438.
gnomAD v4.1: 5,454 of 1,613,974 alleles (0.34%); highest among the groups gnomAD compares: Non-Finnish European, 0.41%; 17 homozygotes.

Submissions (5):

Blueprint Genetics
Classification: Likely benign. Last evaluated: 2024-11-28. Review status: criteria provided, single submitter. Criteria: ACMG Guidelines, 2015. Collection method: clinical testing. Allele origin: germline.

CeGaT Center for Human Genetics Tuebingen
Classification: Likely benign. Last evaluated: 2022-11-01. Review status: criteria provided, single submitter. Criteria: CeGaT Center For Human Genetics Tuebingen Variant Classification Criteria Version 2. Collection method: clinical testing. Allele origin: germline. Affected: yes. Observed: 2 variant alleles.
Comment: ATXN10: BP4, BP7

Fulgent Genetics
Classification: Likely benign for Spinocerebellar ataxia type 10. Last evaluated: 2022-04-25. Review status: criteria provided, single submitter. Criteria: ACMG Guidelines, 2015. Collection method: clinical testing. Allele origin: unknown.

Eurofins Ntd Llc (ga)
Classification: Likely benign. Last evaluated: 2015-01-20. Review status: criteria provided, single submitter. Criteria: EGL Classification Definitions 2015. Collection method: clinical testing. Allele origin: germline. Observed: 1 variant allele, 1 heterozygote.

Breakthrough Genomics
Classification: Likely benign. Review status: criteria provided, single submitter. Criteria: ACMG Guidelines, 2015. Collection method: not provided. Allele origin: germline. Inheritance: Autosomal dominant inheritance. Affected: yes.

NM_013236.4(ATXN10):c.321G>A (p.Thr107=)

Gene: ATXN10 (ataxin 10; plus strand). Cytogenetic location: 22q13.31.
Variant type: single nucleotide variant.
Coding change: c.321G>A on transcript NM_013236.4 (MANE Select); coding-DNA position 321, G replaced by A.
Protein change: p.Thr107=; no amino-acid change (threonine 107 retained).
Molecular consequence: synonymous variant.
Genome position (GRCh38, 1-based): chr22:45,693,008, G>A. VCF-style: chr22-45693008-G-A. GRCh37 (hg19) VCF-style: chr22-46088888-G-A.
Other names: c.129G>A, p.Thr43= (NM_001167621.2).
Identifiers: ClinVar variation 196455 (VCV000196455.32), dbSNP rs61733598, ClinGen allele CA202384.
Genomic context (GRCh38, chr22:45,693,008, plus strand): 5'-ATATGAATGAATGAACATGTCTAATTTTGTCTTTTTTAAAAAACCCAGGAACTTGGATAC[G>A]ATTGGTGTTGCTGTTGATTTGATTCTTCTGTTTCGTGAACTGCGAGTGGAACAGGAATCT-3'
Protein context (NP_037368.1, residues 97-117): VNQNSIRNLD[Thr107=]IGVAVDLILL